The following is an entry in ClinVar:

ClinVar aggregate classification (germline): Uncertain significance. Review status: criteria provided, multiple submitters, no conflicts (2 of 4 stars). 2 submissions from 2 submitters: Uncertain significance (2). Last evaluated 2022-08-16.

Conditions:
Niemann-Pick disease, type A. Also called: SPHINGOMYELIN LIPIDOSIS; SPHINGOMYELINASE DEFICIENCY; Infantile Neurovisceral ASMD (Niemann-Pick Disease Type A; NPD-A). Identifiers: Orphanet 77292, MedGen C0268242, MONDO:0009756, OMIM 257200. Disease mechanism: loss of function.
Niemann-Pick disease, type B. Also called: Chronic Visceral ASMD (Niemann-Pick Disease Type B; NPD-B). Identifiers: Orphanet 77293, MedGen C0268243, MONDO:0011871, OMIM 607616. Disease mechanism: loss of function.

Allele frequency attached by ClinVar (database versions not stated): ExAC 0.00003; gnomAD exomes 0.00003 and 0.00009; TOPMed 0.00004; ESP Exome Variant Server 0.00023.
gnomAD v4.1: 143 of 1,613,864 alleles (0.0089%); highest among the groups gnomAD compares: Non-Finnish European, 0.012%; no homozygotes.

Submissions (2):

Labcorp Genetics (formerly Invitae), Labcorp
Classification: Uncertain significance for Niemann-Pick disease, type B; Niemann-Pick disease, type A. Last evaluated: 2022-08-16. Review status: criteria provided, single submitter. Criteria: Invitae Variant Classification Sherloc (09022015). Collection method: clinical testing. Allele origin: germline.
Comment: This sequence change replaces proline, which is neutral and non-polar, with serine, which is neutral and polar, at codon 331 of the SMPD1 protein (p.Pro331Ser). This variant is present in population databases (rs142476839, gnomAD 0.007%). This variant has not been reported in the literature in individuals affected with SMPD1-related conditions. ClinVar contains an entry for this variant (Variation ID: 878122). Advanced modeling of protein sequence and biophysical properties (such as structural, functional, and spatial information, amino acid conservation, physicochemical variation, residue mobility, and thermodynamic stability) performed at Invitae indicates that this missense variant is expected to disrupt SMPD1 protein function. In summary, the available evidence is currently insufficient to determine the role of this variant in disease. Therefore, it has been classified as a Variant of Uncertain Significance.

Illumina Laboratory Services, Illumina
Classification: Uncertain significance for Niemann-Pick disease, type A. Last evaluated: 2018-01-13. Review status: criteria provided, single submitter. Criteria: ICSL Variant Classification Criteria 13 December 2019. Collection method: clinical testing. Allele origin: germline.

NM_000543.5(SMPD1):c.991C>T (p.Pro331Ser)

Gene: SMPD1 (sphingomyelin phosphodiesterase 1; plus strand). Cytogenetic location: 11p15.4.
Variant type: single nucleotide variant.
Coding change: c.991C>T on transcript NM_000543.5 (MANE Select); coding-DNA position 991, C replaced by T.
Protein change: p.Pro331Ser; replaces proline 331 with serine.
Molecular consequence: missense variant. On other transcripts: synonymous variant (1), non-coding transcript variant (1).
Genome position (GRCh38, 1-based): chr11:6,392,056, C>T. VCF-style: chr11-6392056-C-T. GRCh37 (hg19) VCF-style: chr11-6413286-C-T.
Other names: c.988C>T, p.Pro330Ser (NM_001007593.3); c.991C>T, p.Pro331Ser (NM_001318087.2, NM_001365135.2); c.30C>T, p.Leu10= (NM_001318088.2); short protein forms P331S, P330S.
Identifiers: ClinVar variation 878122 (VCV000878122.5), dbSNP rs142476839, ClinGen allele CA5852722.
Genomic context (GRCh38, chr11:6,392,056, plus strand): 5'-CCAGTGCCAGTGTACCCTGCTGTGGGTAACCATGAAAGCACACCTGTCAATAGCTTCCCT[C>T]CCCCCTTCATTGAGGGCAACCACTCCTCCCGCTGGCTCTATGAAGCGATGGCCAAGGCTT-3'
Protein context (NP_000534.3, residues 321-341): HESTPVNSFP[Pro331Ser]PFIEGNHSSR